The following is an entry in ClinVar:

NM_000051.4(ATM):c.9165G>C (p.Trp3055Cys)

Genes: ATM (ATM serine/threonine kinase; plus strand), C11orf65 (chromosome 11 open reading frame 65; minus strand). Cytogenetic location: 11q22.3.
Variant type: single nucleotide variant.
Coding change: c.9165G>C on transcript NM_000051.4 (MANE Select); coding-DNA position 9165, G replaced by C.
Protein change: p.Trp3055Cys; replaces tryptophan 3055 with cysteine.
Molecular consequence: missense variant. On other transcripts: intron variant (2).
Genome position (GRCh38, 1-based): chr11:108,365,502, G>C. VCF-style: chr11-108365502-G-C. GRCh37 (hg19) VCF-style: chr11-108236229-G-C.
Other names: c.9165G>C, p.Trp3055Cys (NM_001351834.2); c.640+20418C>G (NM_001330368.2); c.694+20418C>G (NM_001351110.2); short protein forms W3055C.
Identifiers: ClinVar variation 3326415 (VCV003326415.1).
Genomic context (GRCh38, chr11:108,365,502, plus strand): 5'-CATACAGCAGGCCATAGACCCCAAAAATCTCAGCCGACTTTTCCCAGGATGGAAAGCTTG[G>C]GTGTGATCTTCAGTATATGAATTACCCTTTCATTCAGCCTTTAGAAATTATATTTTAGCC-3'
Protein context (NP_000042.3, residues 3045-3056): LSRLFPGWKA[Trp3055Cys]V

ClinVar aggregate classification (germline): Uncertain significance (1 of 4 stars; one submission).

Conditions:
Hereditary cancer-predisposing syndrome. Also called: Neoplastic Syndromes, Hereditary; Tumor predisposition; Hereditary Cancer Syndrome; Hereditary neoplastic syndrome. Identifiers: Orphanet 140162, MedGen C0027672, MeSH D009386, MONDO:0015356.

Submission:

Ambry Genetics
Classification: Uncertain significance for Hereditary cancer-predisposing syndrome. Last evaluated: 2024-06-06. Review status: criteria provided, single submitter. Criteria: Ambry Variant Classification Scheme 2023. Collection method: clinical testing. Allele origin: germline.
Comment: The p.W3055C variant (also known as c.9165G>C), located in coding exon 62 of the ATM gene, results from a G to C substitution at nucleotide position 9165. The tryptophan at codon 3055 is replaced by cysteine, an amino acid with highly dissimilar properties. This amino acid position is highly conserved in available vertebrate species. In addition, this alteration is predicted to be deleterious by in silico analysis. Based on the available evidence, the clinical significance of this variant remains unclear.